The following is an entry in ClinVar:

NM_002473.6(MYH9):c.*312C>T

Gene: MYH9 (myosin heavy chain 9; minus strand). Cytogenetic location: 22q12.3.
Variant type: single nucleotide variant.
Coding change: c.*312C>T on transcript NM_002473.6 (MANE Select); 312 bases downstream of the stop codon, C replaced by T.
Molecular consequence: 3 prime UTR variant.
Genome position (GRCh38, 1-based): chr22:36,282,356, G>A on the plus strand (C>T on the coding strand, the complement: MYH9 is on the minus strand). VCF-style: chr22-36282356-G-A. GRCh37 (hg19) VCF-style: chr22-36678402-G-A.
Identifiers: ClinVar variation 341479 (VCV000341479.6), dbSNP rs16996639, ClinGen allele CA10645444.

ClinVar aggregate classification (germline): Benign. Review status: criteria provided, multiple submitters, no conflicts (2 of 4 stars). 3 submissions from 2 submitters: Benign (3). Last evaluated 2018-12-24.

Conditions:
Autosomal dominant nonsyndromic hearing loss 17. Also called: Autosomal dominant nonsyndromic deafness 17; Deafness, autosomal dominant 17. Identifiers: Orphanet 90635, MedGen C1863659, MONDO:0011350, OMIM 603622.
MYH9-related disorder. Identifiers: MedGen C1854520.

Allele frequency attached by ClinVar (database versions not stated): gnomAD exomes 0.00353; gnomAD 0.02641 and 0.02830; 1000 Genomes Project 0.02815; TOPMed 0.02989; 1000 Genomes Project 30x 0.03154.
gnomAD v4.1: 5,419 of 538,256 alleles (1%); highest among the groups gnomAD compares: African/African-American, 9.2%; 213 homozygotes.

Submissions (3):

GeneDx
Classification: Benign. Last evaluated: 2018-12-24. Review status: criteria provided, single submitter. Criteria: GeneDx Variant Classification Process June 2021. Collection method: clinical testing. Allele origin: germline. Affected: yes.

Illumina Laboratory Services, Illumina
Classification: Benign for Autosomal dominant nonsyndromic hearing loss 17. Last evaluated: 2018-01-13. Review status: criteria provided, single submitter. Criteria: ICSL Variant Classification Criteria 13 December 2019. Collection method: clinical testing. Allele origin: germline.
Comment: This variant was observed in the ICSL laboratory as part of a predisposition screen in an ostensibly healthy population. It had not been previously curated by ICSL or reported in the Human Gene Mutation Database (HGMD: prior to June 1st, 2018), and was therefore a candidate for classification through an automated scoring system. Utilizing variant allele frequency, disease prevalence and penetrance estimates, and inheritance mode, an automated score was calculated to assess if this variant is too frequent to cause the disease. Based on the score and internal cut-off values, a variant classified as benign is not then subjected to further curation. The score for this variant resulted in a classification of benign for this disease.

Illumina Laboratory Services, Illumina
Classification: Benign for MYH9-related disorder. Last evaluated: 2018-01-13. Review status: criteria provided, single submitter. Criteria: ICSL Variant Classification Criteria 13 December 2019. Collection method: clinical testing. Allele origin: germline.
Comment: the same text as in the submission from Illumina Laboratory Services, Illumina above.